The following is an entry in ClinVar:

NM_004369.4(COL6A3):c.6156G>A (p.Lys2052=)

Gene: COL6A3 (collagen type VI alpha 3 chain; minus strand). Cytogenetic location: 2q37.3.
Variant type: single nucleotide variant.
Coding change: c.6156G>A on transcript NM_004369.4 (MANE Select); coding-DNA position 6156, G replaced by A.
Protein change: p.Lys2052=; no amino-acid change (lysine 2052 retained).
Molecular consequence: synonymous variant.
Genome position (GRCh38, 1-based): chr2:237,361,739, C>T on the plus strand (G>A on the coding strand, the complement: COL6A3 is on the minus strand). VCF-style: chr2-237361739-C-T. GRCh37 (hg19) VCF-style: chr2-238270382-C-T.
Other names: c.4335G>A, p.Lys1445= (NM_057166.5); c.5538G>A, p.Lys1846= (NM_057167.4).
Identifiers: ClinVar variation 3062066 (VCV003062066.1), dbSNP rs398124125, ClinGen allele CA431678543.

ClinVar aggregate classification (germline): Likely pathogenic (1 of 4 stars; one submission).

Conditions:
Collagen 6-related myopathy. Identifiers: MedGen CN117976, MONDO:0100225.

Submission:

Illumina Laboratory Services, Illumina
Classification: Likely pathogenic for Collagen 6-related myopathy. Last evaluated: 2018-08-16. Review status: criteria provided, single submitter. Criteria: ICSLVariantClassificationCriteria RUGD 01 April 2020. Collection method: clinical testing. Allele origin: unknown.
Comment: The COL6A3 c.6156G>A p.(Lys2052=) synonymous variant is located in a splice region near exon 15 of the gene which encodes for part of the triple helix domain. To our knowledge, this variant has not been reported in the peer-reviewed literature. However, several individuals affected with collagen VI-related myopathies were found to have variants in the splice sites around exon 15 and exon 16 (Lampe et al. 2005; Brinas et al. 2010; Reddy et al. 2017). All these individuals showed dominant form of inheritance and the variant was confirmed to be de novo in most of the cases, with the prediction of exon skipping. In addition, variants in the splice region outside of the canonical splice sites have been observed in patients with collagen VI-related myopathies (Martoni et al. 2009). This variant is not observed in version 2.1.1 of the Genome Aggregation Database. Multiple lines of computational evidence suggest the variant may impact the gene or gene product. Based on the available evidence, the p.Lys2052 variant is classified as likely pathogenic for collagen type VI-related disorders.